The following is an entry in ClinVar:

NM_001184880.2(PCDH19):c.1442_1448del (p.Asp481fs)

Gene: PCDH19 (protocadherin 19; minus strand). Cytogenetic location: Xq22.1.
Variant type: Deletion.
Coding change: c.1442_1448del on transcript NM_001184880.2 (MANE Select); coding-DNA positions 1442 to 1448, 7 bases deleted (ACCTGGG; older notation c.1442_1448delACCTGGG).
Protein change: p.Asp481fs; shifts the reading frame from aspartic acid 481.
Molecular consequence: frameshift variant.
Genome position (GRCh38, 1-based): chrX:100,407,150-100,407,156, CCCAGGT deleted on the plus strand (ACCTGGG on the coding strand, the reverse complement: PCDH19 is on the minus strand); deleting any 7 consecutive bases within chrX:100,407,150-100,407,157 gives the same sequence; the c. name uses the placement nearest the transcript's 3' end. VCF-style (leftmost placement, unchanged base first): chrX-100407149-ACCCAGGT-A. GRCh37 (hg19) VCF-style: chrX-99662147-ACCCAGGT-A.
Other names: c.1442_1448del, p.Asp481fs (NM_001105243.2, NM_020766.3); short protein forms D481fs.
Identifiers: ClinVar variation 465297 (VCV000465297.7), dbSNP rs1555985163, ClinGen allele CA658659028.
Genomic context (GRCh38, chrX:100,407,149, plus strand): 5'-GAAGACAGGCATGTCCCGCACCTGCGACGGCACGATCTGGTAGGAGACACTGCCGTTGAG[ACCCAGGT>A]CGGGGTCGCGAGCAGACACAGAGAGCAGATAGGCGCCAGGCGTGTTGTTCTCCTGCACAA-3'

ClinVar aggregate classification (germline): Pathogenic (1 of 4 stars; one submission).

Conditions:
Developmental and epileptic encephalopathy, 9 (DEE9). Also called: Early infantile epileptic encephalopathy 9; EPILEPSY, FEMALE-RESTRICTED, WITH MENTAL RETARDATION; PCDH19-Related X-Linked Female-Limited Epilepsy with Mental Retardation; JUBERG-HELLMAN SYNDROME. Identifiers: Orphanet 101039, Orphanet 2076, MedGen C1848137, MONDO:0010246, OMIM 300088. Disease mechanism: loss of function.

Submission:

Labcorp Genetics (formerly Invitae), Labcorp
Classification: Pathogenic for Developmental and epileptic encephalopathy, 9. Last evaluated: 2023-12-22. Review status: criteria provided, single submitter. Criteria: Invitae Variant Classification Sherloc (09022015). Collection method: clinical testing. Allele origin: germline.
Comment: This sequence change creates a premature translational stop signal (p.Asp481Valfs*86) in the PCDH19 gene. It is expected to result in an absent or disrupted protein product. Loss-of-function variants in PCDH19 are known to be pathogenic (PMID: 21053371). This variant is not present in population databases (gnomAD no frequency). This variant has not been reported in the literature in individuals affected with PCDH19-related conditions. ClinVar contains an entry for this variant (Variation ID: 465297). For these reasons, this variant has been classified as Pathogenic.

Literature cited by the submitters: PubMed 21053371.